The following is an entry in ClinVar:

NM_005609.4(PYGM):c.415C>G (p.Arg139Gly)

Gene: PYGM (glycogen phosphorylase, muscle associated; minus strand). Cytogenetic location: 11q13.1.
Variant type: single nucleotide variant.
Coding change: c.415C>G on transcript NM_005609.4 (MANE Select); coding-DNA position 415, C replaced by G.
Protein change: p.Arg139Gly; replaces arginine 139 with glycine.
Molecular consequence: missense variant. On other transcripts: intron variant (1).
Genome position (GRCh38, 1-based): chr11:64,758,446, G>C on the plus strand (C>G on the coding strand, the complement: PYGM is on the minus strand). VCF-style: chr11-64758446-G-C. GRCh37 (hg19) VCF-style: chr11-64525918-G-C.
Other names: c.244-180C>G (NM_001164716.1); short protein forms R139G.
Identifiers: ClinVar variation 2883784 (VCV002883784.3), dbSNP rs367990192, ClinGen allele CA6080265.

ClinVar aggregate classification (germline): Likely pathogenic (1 of 4 stars; one submission).

Conditions:
Glycogen storage disease, type V (GSD5). Also called: MCARDLE DISEASE; MUSCLE GLYCOGEN PHOSPHORYLASE DEFICIENCY; MYOPHOSPHORYLASE DEFICIENCY; PYGM DEFICIENCY; McArdle type glycogen storage disease. Identifiers: Orphanet 368, MedGen C0017924, MONDO:0009293, OMIM 232600.

Allele frequency attached by ClinVar (database versions not stated): ExAC 0.00002; ESP Exome Variant Server 0.00008.

Submission:

Labcorp Genetics (formerly Invitae), Labcorp
Classification: Likely pathogenic for Glycogen storage disease, type V. Last evaluated: 2024-03-20. Review status: criteria provided, single submitter. Criteria: Invitae Variant Classification Sherloc (09022015). Collection method: clinical testing. Allele origin: germline.
Comment: This sequence change replaces arginine, which is basic and polar, with glycine, which is neutral and non-polar, at codon 139 of the PYGM protein (p.Arg139Gly). This variant is present in population databases (rs367990192, gnomAD 0.01%). This variant has not been reported in the literature in individuals affected with PYGM-related conditions. Advanced modeling of protein sequence and biophysical properties (such as structural, functional, and spatial information, amino acid conservation, physicochemical variation, residue mobility, and thermodynamic stability) performed at Invitae indicates that this missense variant is expected to disrupt PYGM protein function with a positive predictive value of 95%. This variant disrupts the p.Arg139 amino acid residue in PYGM. Other variant(s) that disrupt this residue have been determined to be pathogenic (PMID: 14748827, 17404776, 34373715, 34534370). This suggests that this residue is clinically significant, and that variants that disrupt this residue are likely to be disease-causing. In summary, the currently available evidence indicates that the variant is pathogenic, but additional data are needed to prove that conclusively. Therefore, this variant has been classified as Likely Pathogenic.

Literature cited by the submitters: PubMed 14748827; PubMed 17404776; PubMed 34373715; PubMed 34534370.